The following is an entry in ClinVar:

ClinVar aggregate classification (germline): Uncertain significance (1 of 4 stars; one submission).

Submission:

Women's Health and Genetics/Laboratory Corporation of America, LabCorp
Classification: Uncertain significance. Last evaluated: 2021-12-23. Review status: criteria provided, single submitter. Criteria: LabCorp Variant Classification Summary - May 2015. Collection method: clinical testing. Allele origin: germline.
Comment: Variant summary: NIPAL4 c.84_88delinsT (p.Ser29AlafsX133) results in a frameshift in the first exon of the longest protein isoform (NM_001099287.1) of NIPAL4. However, the variant is located in the untranslated mRNA region (c.-103_-99delinsT) upstream of the initiation codon in the shorter (canonical) protein isoform (NM_001099287.2) of NIPAL4. The variant was absent in 125568 control chromosomes (gnomAD). To our knowledge, no occurrence of c.84_88delinsT in individuals affected with Lamellar Ichthyosis and no experimental evidence demonstrating its impact on protein function have been reported. However, upstream from this position, a start-loss variant affecting the longer isoform, c.2T>C (p.Met1?), has been reported in a homozygous patient (PMID: 31347739; this variant would correspond to c.-185T>C in the shorter isoform). No clinical diagnostic laboratories have submitted clinical-significance assessments for this variant to ClinVar after 2014. Based on the evidence outlined above, the variant was classified as VUS-possibly pathogenic.

NM_001099287.2(NIPAL4):c.-103_-99delinsT

Genes: NIPAL4 (NIPA like domain containing 4; plus strand), LOC129995124 (ATAC-STARR-seq lymphoblastoid silent region 16559; plus strand). Cytogenetic location: 5q33.3.
Variant type: Indel.
Coding change: c.-103_-99delinsT on transcript NM_001099287.2 (MANE Select); 103 bases upstream of the start codon through 99 bases upstream of the start codon, CTCGC replaced by T.
Molecular consequence: 5 prime UTR variant. On other transcripts: frameshift variant (1).
Genome position (GRCh38, 1-based): chr5:157,460,218-157,460,222, CTCGC replaced by T. VCF-style: chr5-157460218-CTCGC-T. GRCh37 (hg19) VCF-style: chr5-156887226-CTCGC-T.
Other names: c.84_88delCTCGCinsT, p.Ser29Alafs (NM_001099287.1); c.-103_-99delCTCGCinsT (NM_001172292.2); short protein forms S29fs.
Identifiers: ClinVar variation 1331474 (VCV001331474.1), dbSNP rs1754050150, ClinGen allele CA2573052469.